The following is an entry in ClinVar:

ClinVar aggregate classification (germline): Benign/Likely benign. Review status: criteria provided, multiple submitters, no conflicts (2 of 4 stars). 6 submissions from 6 submitters: Benign (2); Likely benign (3). 1 of the submissions does not count toward it. Last evaluated 2026-06-01.

Conditions:
Polycystic kidney disease, adult type (PKD1). Also called: Polycystic Kidney, Autosomal Dominant; POLYCYSTIC KIDNEY DISEASE 1 WITH OR WITHOUT POLYCYSTIC LIVER DISEASE; POLYCYSTIC KIDNEY DISEASE, ADULT, TYPE I; Polycystic Kidney Disease 1, Autosomal Dominant; Polycystic kidney disease 1; Polycystic kidney disease 1, severe. Identifiers: MedGen C3149841, MONDO:0008263, OMIM 173900.
Polycystic kidney disease. Also called: Polycystic kidney dysplasia; Kidney, Polycystic. Identifiers: MedGen C0022680, MeSH D007690, MONDO:0020642, HP:0000113.

Allele frequency attached by ClinVar (database versions not stated): ESP Exome Variant Server 0.00023; gnomAD 0.00097 and 0.00118; TOPMed 0.00215; 1000 Genomes Project 30x 0.00547; 1000 Genomes Project 0.00579.
gnomAD v4.1: 1,213 of 1,586,334 alleles (0.076%); highest among the groups gnomAD compares: East Asian, 2.2%; 13 homozygotes.

Submissions (13):

Women's Health and Genetics/Laboratory Corporation of America, LabCorp
Classification: Likely benign. Last evaluated: 2026-06-01. Review status: criteria provided, single submitter. Criteria: LabCorp Variant Classification Summary - May 2015. Collection method: clinical testing. Allele origin: germline.
Comment: Variant summary: PKD1 c.10678G>A (p.Gly3560Arg) results in a non-conservative amino acid change in the encoded protein sequence. Algorithms developed to predict the effect of missense changes on protein structure and function are either unavailable or do not agree on the potential impact of this missense change. The variant allele was found at a frequency of 0.0022 in 204174 control chromosomes, predominantly at a frequency of 0.025 within the East Asian subpopulation in the gnomAD database, including 5 homozygotes. The observed variant frequency within East Asian control individuals in the gnomAD database exceeds the estimated maximal expected allele frequency for disease-causing variants in PKD1. c.10678G>A has been observed in individual(s) affected with PKD1-related conditions without strong evidence for causality (Carrera_2016, Li_2022, Liu_2015, Tsuchiya_2001). These report(s) do not provide unequivocal conclusions about association of the variant with Polycystic Kidney Disease. Co-occurrences with other pathogenic variant(s) have been reported (PKD1 c.9771_9774delCTTT, p.Phe3257Leufs*57), providing supporting evidence for a benign role (Carrera_2016). To our knowledge, no experimental evidence demonstrating an impact on protein function has been reported. The following publications have been ascertained in the context of this evaluation (PMID: 27499327, 34739738, 26632257, 11691639). ClinVar contains an entry for this variant (Variation ID: 618304). Based on the evidence outlined above, the variant was classified as likely benign.

Blueprint Genetics
Classification: Likely benign. Last evaluated: 2024-11-06. Review status: criteria provided, single submitter. Criteria: ACMG Guidelines, 2015. Collection method: clinical testing. Allele origin: germline.

GeneDx
Classification: Benign. Last evaluated: 2020-04-16. Review status: criteria provided, single submitter. Criteria: GeneDx Variant Classification Process June 2021. Collection method: clinical testing. Allele origin: germline. Affected: yes.
Comment: This variant is associated with the following publications: (PMID: 28578020, 27499327, 11691639, 20981092, 26632257)

Mendelics
Classification: Benign for Polycystic kidney disease, adult type. Last evaluated: 2019-05-28. Review status: criteria provided, single submitter. Criteria: Mendelics Assertion Criteria 2017. Collection method: clinical testing. Allele origin: unknown.

ARUP Laboratories, Molecular Genetics and Genomics, ARUP Laboratories
Classification: Likely benign. Last evaluated: 2017-12-07. Review status: criteria provided, single submitter. Criteria: ARUP Molecular Germline Variant Investigation Process. Collection method: clinical testing. Allele origin: germline.
Comment: The PKD1 c.10678G>A, p.Gly3560Arg variant (rs79000340) has been reported in multiple individuals with autosomal dominant polycystic kidney disease (Liu 2016, Tsuchiya 2001, Zhang 2005), but is listed as likely neutral in the Mayo ADPKD database (see link). It is observed in the East Asian population of general population databases at a frequency of 2.6 percent in the 1000 Genomes Project (26/1008 alleles, 1 homozygote), and 2.5 percent in the Genome Aggregation Database (416/16740 alleles, 4 homozygotes). Based on the above information, and its co-occurrence with a truncating variant in a patient tested at ARUP Laboratories, the p.Gly3560Arg variant is considered likely benign. References: Mayo ADPKD database: Liu B et al. Identification of novel PKD1 and PKD2 mutations in a Chinese population with autosomal dominant polycystic kidney disease. Sci Rep. 2015; 5:17468. Tsuchiya K et al. Mutational analysis within the 3' region of the PKD1 gene in Japanese families. Mutat Res. 2001; 2001 Dec;458(3-4):77-84. Zhang S et al. Mutation analysis of autosomal dominant polycystic kidney disease genes in Han Chinese. Nephron Exp Nephrol. 2005; 100(2):e63-76.

Department of Pathology and Laboratory Medicine, Sinai Health System
Classification: Likely benign for Polycystic Kidney disease. Review status: no assertion criteria provided. Collection method: clinical testing. Allele origin: unknown. Affected: yes. Study: The Canadian Open Genetics Repository (COGR). Not counted in ClinVar's aggregate classification.
Comment: The PKD1 p.Gly3560Arg variant was identified in 12 of 1194 proband chromosomes (frequency: 0.01) from Japanese, Chinese and Italian individuals or families with ADPKD and was not identified in 100 control chromosomes from healthy individuals (Tsuchiya 2001, Zhang 2004, Liu 2015, Fang 2017, Carrera 2016). The variant was found to co-occur with the pathogenic variant PKD1 p.Phe3257Leufs*57, increasing the likelihood the p.Gly3560Arg variant does not have clinical significance (Fang 2017, Carrera 2016). The variant was also identified in dbSNP (ID: rs79000340 as â€šÃ„ÃºNAâ€šÃ„Ã¹), LOVD 3.0 (1x) and ADPKD Mutation Database (as likely neutral) and was not identified in the ClinVar database. The variant was identified in control databases in 458 (4 homozygous) of 230600 chromosomes at a frequency of 0.002, increasing the likelihood this could be a low frequency benign variant (Genome Aggregation Database Feb 27, 2017). The variant was observed in the following populations: African in 25 of 20368 chromosomes (freq: 0.001), Other in 5 of 5632 chromosomes (freq: 0.0009), Latino in 5 of 31316 chromosomes (freq: 0.0002), European in 4 of 103222 chromosomes (freq: 0.00004), East Asian in 416 (4 homozygous) of 16740 chromosomes (freq: 0.02), and South Asian in 3 of 27166 chromosomes (freq: 0.0001); it was not observed in the Ashkenazi Jewish or Finnish populations. The p.Gly3560 residue is conserved in mammals and computational analyses (PolyPhen-2, SIFT, AlignGVGD, BLOSUM, MutationTaster) provide inconsistent predictions regarding the impact to the protein; this information is not very predictive of pathogenicity. The variant also occurs outside of the splicing consensus sequence however 4 of 4 in silico or computational prediction software programs (SpliceSiteFinder, MaxEntScan, NNSPLICE, GeneSplicer) predict the creation of a cryptic 3' splice acceptor site in this region, which could lead to abnormal splicing. However, this information is not predictive enough to assume pathogenicity. In summary, based on the above information, the clinical significance of this variant cannot be determined with certainty at this time although we would lean towards a more benign role for this variant. This variant is classified as likely benign.

Dr. Peter K. Rogan Lab, Western University
No classification provided (evidence only). Condition: Gastric cancer. Review status: no classification provided. Collection method: in vitro. Allele origin: not applicable. Functional consequence: retained intron. Not counted in ClinVar's aggregate classification.

Dr. Peter K. Rogan Lab, Western University
No classification provided (evidence only). Condition: Gastric cancer. Review status: no classification provided. Collection method: in vitro. Allele origin: not applicable. Functional consequence: retained intron. Not counted in ClinVar's aggregate classification.

Dr. Peter K. Rogan Lab, Western University
No classification provided (evidence only). Condition: Gastric cancer. Review status: no classification provided. Collection method: in vitro. Allele origin: not applicable. Functional consequence: retained intron. Not counted in ClinVar's aggregate classification.

Dr. Peter K. Rogan Lab, Western University
No classification provided (evidence only). Condition: Gastric cancer. Review status: no classification provided. Collection method: in vitro. Allele origin: not applicable. Functional consequence: retained intron. Not counted in ClinVar's aggregate classification.

Dr. Peter K. Rogan Lab, Western University
No classification provided (evidence only). Condition: Gastric cancer. Review status: no classification provided. Collection method: in vitro. Allele origin: not applicable. Functional consequence: retained intron. Not counted in ClinVar's aggregate classification.

Dr. Peter K. Rogan Lab, Western University
No classification provided (evidence only). Condition: Gastric cancer. Review status: no classification provided. Collection method: in vitro. Allele origin: not applicable. Functional consequence: retained intron. Not counted in ClinVar's aggregate classification.

Dr. Peter K. Rogan Lab, Western University
No classification provided (evidence only). Condition: Malignant tumor of esophagus. Review status: no classification provided. Collection method: in vitro. Allele origin: not applicable. Functional consequence: retained intron. Not counted in ClinVar's aggregate classification.

Literature cited by the submitters: PubMed 27499327 (cited by Women's Health and Genetics/Laboratory Corporation of America, LabCorp); PubMed 26632257 (cited by Women's Health and Genetics/Laboratory Corporation of America, LabCorp); PubMed 34739738 (cited by Women's Health and Genetics/Laboratory Corporation of America, LabCorp); PubMed 11691639 (cited by Women's Health and Genetics/Laboratory Corporation of America, LabCorp).

NM_001009944.3(PKD1):c.10678G>A (p.Gly3560Arg)

Genes: PKD1 (polycystin 1, transient receptor potential channel interacting; minus strand), PKD1-AS1 (PKD1 antisense RNA 1; plus strand). Cytogenetic location: 16p13.3.
Variant type: single nucleotide variant.
Coding change: c.10678G>A on transcript NM_001009944.3 (MANE Select); coding-DNA position 10678, G replaced by A.
Protein change: p.Gly3560Arg; replaces glycine 3560 with arginine.
Molecular consequence: missense variant.
Genome position (GRCh38, 1-based): chr16:2,093,954, C>T on the plus strand (G>A on the coding strand, the complement: PKD1 is on the minus strand). VCF-style: chr16-2093954-C-T. GRCh37 (hg19) VCF-style: chr16-2143955-C-T.
Other names: c.10675G>A, p.Gly3559Arg (NM_000296.4); short protein forms G3559R, G3560R.
Identifiers: ClinVar variation 618304 (VCV000618304.16), dbSNP rs79000340, ClinGen allele CA7829461.